The following is an entry in ClinVar:

ClinVar aggregate classification (germline): Uncertain significance (1 of 4 stars; one submission).

Submission:

GeneDx
Classification: Uncertain significance. Last evaluated: 2021-11-01. Review status: criteria provided, single submitter. Criteria: GeneDx Variant Classification Process June 2021. Collection method: clinical testing. Allele origin: germline. Affected: yes.
Comment: Not observed in large population cohorts (Lek et al., 2016); In silico analysis, which includes protein predictors and evolutionary conservation, supports a deleterious effect; Has not been previously published as pathogenic or benign to our knowledge

NM_020708.5(SLC12A5):c.559G>T (p.Gly187Cys)

Gene: SLC12A5 (solute carrier family 12 member 5; plus strand). Cytogenetic location: 20q13.12.
Variant type: single nucleotide variant.
Coding change: c.559G>T on transcript NM_020708.5 (MANE Select); coding-DNA position 559, G replaced by T.
Protein change: p.Gly187Cys; replaces glycine 187 with cysteine.
Molecular consequence: missense variant.
Genome position (GRCh38, 1-based): chr20:46,037,332, G>T. VCF-style: chr20-46037332-G-T. GRCh37 (hg19) VCF-style: chr20-44665971-G-T.
Other names: c.628G>T, p.Gly210Cys (NM_001134771.2); short protein forms G187C, G210C.
Identifiers: ClinVar variation 1314970 (VCV001314970.2), dbSNP rs2145484626, ClinGen allele CA409188734.